The following is an entry in ClinVar:

ClinVar aggregate classification (germline): Uncertain significance (1 of 4 stars; one submission).

Conditions:
Pulmonary fibrosis and/or bone marrow failure, Telomere-related, 4. Also called: PULMONARY FIBROSIS AND/OR BONE MARROW FAILURE SYNDROME, TELOMERE-RELATED, 4. Identifiers: Orphanet 2032, MedGen C4225347, MONDO:0014612, OMIM 616371.
Dyskeratosis congenita, autosomal recessive 6 (DKCB6). Identifiers: MedGen C4225356, MONDO:0014600, OMIM 616353.

Submission:

Labcorp Genetics (formerly Invitae), Labcorp
Classification: Uncertain significance for Dyskeratosis congenita, autosomal recessive 6; Pulmonary fibrosis and/or bone marrow failure, Telomere-related, 4. Last evaluated: 2025-03-31. Review status: criteria provided, single submitter. Criteria: Invitae Variant Classification Sherloc (09022015). Collection method: clinical testing. Allele origin: germline.
Comment: This sequence change replaces isoleucine, which is neutral and non-polar, with phenylalanine, which is neutral and non-polar, at codon 415 of the PARN protein (p.Ile415Phe). This variant is not present in population databases (gnomAD no frequency). This variant has not been reported in the literature in individuals affected with PARN-related conditions. Invitae Evidence Modeling of protein sequence and biophysical properties (such as structural, functional, and spatial information, amino acid conservation, physicochemical variation, residue mobility, and thermodynamic stability) indicates that this missense variant is not expected to disrupt PARN protein function with a negative predictive value of 80%. In summary, the available evidence is currently insufficient to determine the role of this variant in disease. Therefore, it has been classified as a Variant of Uncertain Significance.

NM_002582.4(PARN):c.1243A>T (p.Ile415Phe)

Gene: PARN (poly(A)-specific ribonuclease; minus strand). Cytogenetic location: 16p13.12.
Variant type: single nucleotide variant.
Coding change: c.1243A>T on transcript NM_002582.4 (MANE Select); coding-DNA position 1243, A replaced by T.
Protein change: p.Ile415Phe; replaces isoleucine 415 with phenylalanine.
Molecular consequence: missense variant.
Genome position (GRCh38, 1-based): chr16:14,580,893, T>A on the plus strand (A>T on the coding strand, the complement: PARN is on the minus strand). VCF-style: chr16-14580893-T-A. GRCh37 (hg19) VCF-style: chr16-14674750-T-A.
Other names: c.1060A>T, p.Ile354Phe (NM_001134477.3); c.1105A>T, p.Ile369Phe (NM_001242992.2); short protein forms I354F, I415F, I369F.
Identifiers: ClinVar variation 4782470 (VCV004782470.1).